The following is an entry in ClinVar:

ClinVar aggregate classification (germline): Uncertain significance (1 of 4 stars; one submission).

Conditions:
NIK deficiency. Also called: Primary immunodeficiency with multifaceted aberrant lymphoid immunity. Identifiers: Orphanet 447731, MedGen C5680065, MONDO:0018642.

Allele frequency attached by ClinVar (database versions not stated): TOPMed below 0.00001; ExAC 0.00001; gnomAD 0.00001; gnomAD exomes 0.00001; ESP Exome Variant Server 0.00008.
gnomAD v4.1: 14 of 1,613,114 alleles (0.00087%); highest among the groups gnomAD compares: African/African-American, 0.0013%; no homozygotes.

Submission:

Labcorp Genetics (formerly Invitae), Labcorp
Classification: Uncertain significance for NIK deficiency. Last evaluated: 2022-03-12. Review status: criteria provided, single submitter. Criteria: Invitae Variant Classification Sherloc (09022015). Collection method: clinical testing. Allele origin: germline.
Comment: This variant is present in population databases (rs368589648, gnomAD 0.003%). This sequence change replaces glutamine, which is neutral and polar, with histidine, which is basic and polar, at codon 598 of the MAP3K14 protein (p.Gln598His). This variant has not been reported in the literature in individuals affected with MAP3K14-related conditions. In summary, the available evidence is currently insufficient to determine the role of this variant in disease. Therefore, it has been classified as a Variant of Uncertain Significance. ClinVar contains an entry for this variant (Variation ID: 641216).

NM_003954.5(MAP3K14):c.1794G>C (p.Gln598His)

Gene: MAP3K14 (mitogen-activated protein kinase kinase kinase 14; minus strand). Cytogenetic location: 17q21.31.
Variant type: single nucleotide variant.
Coding change: c.1794G>C on transcript NM_003954.5 (MANE Select); coding-DNA position 1794, G replaced by C.
Protein change: p.Gln598His; replaces glutamine 598 with histidine.
Molecular consequence: missense variant.
Genome position (GRCh38, 1-based): chr17:45,271,085, C>G on the plus strand (G>C on the coding strand, the complement: MAP3K14 is on the minus strand). VCF-style: chr17-45271085-C-G. GRCh37 (hg19) VCF-style: chr17-43348452-C-G.
Other names: c.1794G>C, p.Gln598His (LRG_1222t1); short protein forms Q598H.
Identifiers: ClinVar variation 641216 (VCV000641216.9), dbSNP rs368589648, ClinGen allele CA8614036.